The following is an entry in ClinVar:

ClinVar aggregate classification (germline): Conflicting classifications of pathogenicity. Review status: criteria provided, conflicting classifications (1 of 4 stars). 2 submissions from 2 submitters: Uncertain significance (1); Likely benign (1). Last evaluated 2025-12-24.

Conditions:
Inborn genetic diseases. Identifiers: MedGen C0950123, MeSH D030342.

Allele frequency attached by ClinVar (database versions not stated): gnomAD exomes 0.00004 and 0.00010; 1000 Genomes Project 30x 0.00031; 1000 Genomes Project 0.00040; gnomAD 0.00040 and 0.00044; TOPMed 0.00051; ESP Exome Variant Server 0.00054; ExAC 0.00014.
gnomAD v4.1: 133 of 1,614,034 alleles (0.0082%); highest among the groups gnomAD compares: African/African-American, 0.14%; 1 homozygote.

Submissions (3):

Labcorp Genetics (formerly Invitae), Labcorp
Classification: Uncertain significance. Last evaluated: 2025-12-24. Review status: criteria provided, single submitter. Criteria: Invitae Variant Classification Sherloc (09022015). Collection method: clinical testing. Allele origin: germline.
Comment: This sequence change replaces asparagine, which is neutral and polar, with serine, which is neutral and polar, at codon 191 of the CSF2RB protein (p.Asn191Ser). This variant is present in population databases (rs113156338, gnomAD 0.1%), and has an allele count higher than expected for a pathogenic variant. This variant has not been reported in the literature in individuals affected with CSF2RB-related conditions. ClinVar contains an entry for this variant (Variation ID: 1415498). Invitae Evidence Modeling of protein sequence and biophysical properties (such as structural, functional, and spatial information, amino acid conservation, physicochemical variation, residue mobility, and thermodynamic stability) indicates that this missense variant is not expected to disrupt CSF2RB protein function with a negative predictive value of 80%. In summary, the available evidence is currently insufficient to determine the role of this variant in disease. Therefore, it has been classified as a Variant of Uncertain Significance.

Ambry Genetics
Classification: Likely benign for Inborn genetic diseases. Last evaluated: 2024-11-26. Review status: criteria provided, single submitter. Criteria: Ambry Variant Classification Scheme 2023. Collection method: clinical testing. Allele origin: germline.

Dr. Peter K. Rogan Lab, Western University
No classification provided (evidence only). Condition: Acute myeloid leukemia. Review status: no classification provided. Collection method: in vitro. Allele origin: not applicable. Functional consequence: retained intron. Not counted in ClinVar's aggregate classification.

NM_000395.3(CSF2RB):c.572A>G (p.Asn191Ser)

Gene: CSF2RB (colony stimulating factor 2 receptor subunit beta; plus strand). Cytogenetic location: 22q12.3.
Variant type: single nucleotide variant.
Coding change: c.572A>G on transcript NM_000395.3 (MANE Select); coding-DNA position 572, A replaced by G.
Protein change: p.Asn191Ser; replaces asparagine 191 with serine.
Molecular consequence: missense variant.
Genome position (GRCh38, 1-based): chr22:36,929,661, A>G. VCF-style: chr22-36929661-A-G. GRCh37 (hg19) VCF-style: chr22-37325703-A-G.
Other names: c.572A>G (NM_000395.2); short protein forms N191S.
Identifiers: ClinVar variation 1415498 (VCV001415498.8), dbSNP rs113156338, ClinGen allele CA10213515.